The following is an entry in ClinVar:

NM_001394062.1(MACF1):c.19446G>A (p.Gln6482=)

Gene: MACF1 (microtubule actin crosslinking factor 1; plus strand). Cytogenetic location: 1p34.3.
Variant type: single nucleotide variant.
Coding change: c.19446G>A on transcript NM_001394062.1 (MANE Select); coding-DNA position 19446, G replaced by A.
Protein change: p.Gln6482=; no amino-acid change (glutamine 6482 retained).
Molecular consequence: synonymous variant.
Genome position (GRCh38, 1-based): chr1:39,444,676, G>A. VCF-style: chr1-39444676-G-A. GRCh37 (hg19) VCF-style: chr1-39910348-G-A.
Other names: c.7524G>A, p.Gln2508= (NM_001397473.1); c.13269G>A, p.Gln4423= (NM_012090.5).
Identifiers: ClinVar variation 3049855 (VCV003049855.3), dbSNP rs2523194440, ClinGen allele CA417284971.

ClinVar aggregate classification (germline): Likely benign. Review status: criteria provided, single submitter (1 of 4 stars). 2 submissions from 2 submitters: Likely benign (1). 1 of the submissions does not count toward it. Last evaluated 2020-04-20.

Conditions:
MACF1-related disorder. Also called: MACF1-related condition.

Allele frequency attached by ClinVar (database versions not stated): gnomAD exomes 0.00001.
gnomAD v4.1: 8 of 1,611,576 alleles (0.0005%); highest among the groups gnomAD compares: Non-Finnish European, 0.00059%; no homozygotes.

Submissions (2):

Blueprint Genetics
Classification: Likely benign. Last evaluated: 2020-04-20. Review status: criteria provided, single submitter. Criteria: ACMG Guidelines, 2015. Collection method: clinical testing. Allele origin: germline.

PreventionGenetics, part of Exact Sciences
Classification: Likely benign for MACF1-related condition. Last evaluated: 2022-05-25. Review status: no assertion criteria provided. Collection method: clinical testing. Allele origin: germline. Not counted in ClinVar's aggregate classification.
Comment: This variant is classified as likely benign based on ACMG/AMP sequence variant interpretation guidelines (Richards et al. 2015 PMID: 25741868, with internal and published modifications).